The following is an entry in ClinVar:

ClinVar aggregate classification (germline): Benign/Likely benign. Review status: criteria provided, multiple submitters, no conflicts (2 of 4 stars). 3 submissions from 3 submitters: Benign (1); Likely benign (2). Last evaluated 2025-12-19.

Conditions:
Multiple endocrine neoplasia, type 1 (MEN1). Also called: MEN I; WERMER SYNDROME; MEA I; Endocrine adenomatosis multiple; MEN 1. Identifiers: Orphanet 652, MedGen C0025267, MeSH D018761, MONDO:0007540, OMIM 131100.

Allele frequency attached by ClinVar (database versions not stated): gnomAD 0.00001 and 0.00002; gnomAD exomes 0.00001 and 0.00002; TOPMed 0.00002; ExAC 0.00003; ESP Exome Variant Server 0.00015; 1000 Genomes Project 30x 0.00031; 1000 Genomes Project 0.00040.
gnomAD v4.1: 6 of 1,614,136 alleles (0.00037%); highest among the groups gnomAD compares: African/African-American, 0.008%; no homozygotes.

Submissions (3):

Labcorp Genetics (formerly Invitae), Labcorp
Classification: Likely benign for Multiple endocrine neoplasia, type 1. Last evaluated: 2025-12-19. Review status: criteria provided, single submitter. Criteria: Invitae Variant Classification Sherloc (09022015). Collection method: clinical testing. Allele origin: germline.

Myriad Genetics, Inc.
Classification: Benign for Multiple endocrine neoplasia, type 1. Last evaluated: 2024-09-04. Review status: criteria provided, single submitter. Criteria: Myriad Autosomal Dominant, Autosomal Recessive and X-Linked Classification Criteria (2023). Collection method: clinical testing. Allele origin: unknown.
Comment: This variant is considered benign. This variant is intronic and is not expected to impact mRNA splicing. This variant has been observed at a population frequency that is significantly greater than expected given the associated disease prevalence and penetrance.

All of Us Research Program, National Institutes of Health
Classification: Likely benign for Multiple endocrine neoplasia, type 1. Last evaluated: 2024-02-05. Review status: criteria provided, single submitter. Criteria: ACMG Guidelines, 2015. Collection method: clinical testing. Allele origin: germline. Inheritance: Autosomal dominant inheritance. Observed: 2 variant alleles, 2 heterozygotes.
Comment: This study involves interpretation of variants in research participants for the purpose of population health screening. Participant phenotype was not available at the time of variant classification. Additional details can be found in publication PMID: 35346344, PMCID: PMC8962531

NM_001370259.2(MEN1):c.913-8C>T

Gene: MEN1 (menin 1; minus strand). Cytogenetic location: 11q13.1.
Variant type: single nucleotide variant.
Coding change: c.913-8C>T on transcript NM_001370259.2 (MANE Select); 8 bases into the intron before coding-DNA position 913, C replaced by T.
Molecular consequence: intron variant.
Genome position (GRCh38, 1-based): chr11:64,806,376, G>A on the plus strand (C>T on the coding strand, the complement: MEN1 is on the minus strand). VCF-style: chr11-64806376-G-A. GRCh37 (hg19) VCF-style: chr11-64573848-G-A.
Other names: c.928-8C>T (NM_130804.3, NM_130803.3, NM_000244.4 and 3 more transcripts); c.913-8C>T (NM_130799.3, NM_001370260.2, NM_001370251.2 and 1 more transcripts); c.808-8C>T (NM_001370263.2, NM_001370262.2).
Identifiers: ClinVar variation 704342 (VCV000704342.11), dbSNP rs373893527, ClinGen allele CA061839.